The following is an entry in ClinVar:

NM_001020658.2(PUM1):c.1463C>G (p.Ala488Gly)

Gene: PUM1 (pumilio RNA binding family member 1; minus strand). Cytogenetic location: 1p35.2.
Variant type: single nucleotide variant.
Coding change: c.1463C>G on transcript NM_001020658.2 (MANE Select); coding-DNA position 1463, C replaced by G.
Protein change: p.Ala488Gly; replaces alanine 488 with glycine.
Molecular consequence: missense variant.
Genome position (GRCh38, 1-based): chr1:30,974,694, G>C on the plus strand (C>G on the coding strand, the complement: PUM1 is on the minus strand). VCF-style: chr1-30974694-G-C. GRCh37 (hg19) VCF-style: chr1-31447541-G-C.
Other names: c.1463C>G, p.Ala488Gly (NM_014676.3); short protein forms A488G.
Identifiers: ClinVar variation 1804268 (VCV001804268.1), dbSNP rs2521660974, ClinGen allele CA339567317.
Genomic context (GRCh38, chr1:30,974,694, plus strand): 5'-ATTTTGTCTACATTTACCTGCTGCTGTCCTTGCTGAGCCTGTGGGGTGGTCTGTTGATTA[G>C]CTGAATTAGTTGCTGCAGCGGCAGCGGCAGCTTGCTGCTGGAAAAGACTGGCAGGGTAGA-3'
Protein context (NP_001018494.1, residues 478-498): AAAAAAATNS[Ala488Gly]NQQTTPQAQQ

ClinVar aggregate classification (germline): Uncertain significance (1 of 4 stars; one submission).

Submission:

GeneDx
Classification: Uncertain significance. Last evaluated: 2022-06-17. Review status: criteria provided, single submitter. Criteria: GeneDx Variant Classification Process June 2021. Collection method: clinical testing. Allele origin: germline. Affected: yes.
Comment: Not observed at significant frequency in large population cohorts (gnomAD); In silico analysis supports a deleterious effect on splicing; In silico analysis supports that this missense variant does not alter protein structure/function; Has not been previously published as pathogenic or benign to our knowledge